The following is an entry in ClinVar:

NM_021224.6(ZNF462):c.6983A>T (p.Tyr2328Phe)

Genes: ZNF462 (zinc finger protein 462; plus strand), LOC340512 (uncharacterized LOC340512; minus strand). Cytogenetic location: 9q31.2.
Variant type: single nucleotide variant.
Coding change: c.6983A>T on transcript NM_021224.6 (MANE Select); coding-DNA position 6983, A replaced by T.
Protein change: p.Tyr2328Phe; replaces tyrosine 2328 with phenylalanine.
Molecular consequence: missense variant.
Genome position (GRCh38, 1-based): chr9:106,984,336, A>T. VCF-style: chr9-106984336-A-T. GRCh37 (hg19) VCF-style: chr9-109746617-A-T.
Other names: c.4388A>T, p.Tyr1463Phe (NM_001347997.2); short protein forms Y1463F, Y2328F.
Identifiers: ClinVar variation 3389859 (VCV003389859.14).

ClinVar aggregate classification (germline): Uncertain significance (1 of 4 stars; one submission).

Submission:

CeGaT Center for Human Genetics Tuebingen
Classification: Uncertain significance. Last evaluated: 2024-10-01. Review status: criteria provided, single submitter. Criteria: CeGaT Center For Human Genetics Tuebingen Variant Classification Criteria Version 2. Collection method: clinical testing. Allele origin: germline. Affected: yes. Observed: 1 variant allele.
Comment: ZNF462: PM2